The following is an entry in ClinVar:

NM_001007228.2(SPOP):c.1094del (p.Gly365fs)

Gene: SPOP (speckle type BTB/POZ protein; minus strand). Cytogenetic location: 17q21.33.
Variant type: Deletion.
Coding change: c.1094del on transcript NM_001007228.2 (MANE Select); coding-DNA position 1094, one base deleted (G; older notation c.1094delG).
Protein change: p.Gly365fs; shifts the reading frame from glycine 365.
Molecular consequence: frameshift variant.
Genome position (GRCh38, 1-based): chr17:49,600,409, C deleted on the plus strand (G on the coding strand, the reverse complement: SPOP is on the minus strand); the first of 3 consecutive C bases (chr17:49,600,409-49,600,411); deleting any one gives the same sequence. VCF-style (leftmost placement, unchanged base first): chr17-49600408-TC-T. GRCh37 (hg19) VCF-style: chr17-47677770-TC-T.
Other names: c.1094del, p.Gly365fs (NM_001007226.1, NM_001007227.1, NM_001007229.1 and 5 more transcripts); short protein forms G365fs.
Identifiers: ClinVar variation 1709616 (VCV001709616.2), dbSNP rs2543772951, ClinGen allele CA2580094108.

ClinVar aggregate classification (germline): Uncertain significance (1 of 4 stars; one submission).

Conditions:
Neurodevelopmental disorder with microcephaly and dysmorphic facies. Also called: Nabais Sa-de Vries syndrome, type 1. Identifiers: Orphanet 662179, MedGen C5394218, MONDO:0032942, OMIM 618828.

Submission:

MGZ Medical Genetics Center
Classification: Uncertain significance for Neurodevelopmental disorder with microcephaly and dysmorphic facies. Last evaluated: 2022-08-12. Review status: criteria provided, single submitter. Criteria: ACMG Guidelines, 2015. Collection method: clinical testing. Allele origin: germline. Affected: yes. Observed: 1 variant allele.
Comment: ACMG criteria applied: PVS1_MOD, PM2_SUP